The following is an entry in ClinVar:

ClinVar aggregate classification (germline): Uncertain significance. Review status: criteria provided, multiple submitters, no conflicts (2 of 4 stars). 2 submissions from 2 submitters: Uncertain significance (2). Last evaluated 2021-08-27.

Conditions:
Spondylodysplastic Ehlers-Danlos syndrome. Identifiers: Orphanet 536471, Orphanet 75496, MedGen C5680154, MONDO:0007526.

Allele frequency attached by ClinVar (database versions not stated): gnomAD exomes below 0.00001; gnomAD 0.00001; TOPMed 0.00003.

Submissions (2):

Labcorp Genetics (formerly Invitae), Labcorp
Classification: Uncertain significance for Spondylodysplastic Ehlers-Danlos syndrome. Last evaluated: 2021-08-27. Review status: criteria provided, single submitter. Criteria: Invitae Variant Classification Sherloc (09022015). Collection method: clinical testing. Allele origin: germline.
Comment: This sequence change replaces threonine with isoleucine at codon 254 of the B4GALT7 protein (p.Thr254Ile). The threonine residue is highly conserved and there is a moderate physicochemical difference between threonine and isoleucine. This variant is not present in population databases (ExAC no frequency). This variant has not been reported in the literature in individuals affected with B4GALT7-related conditions. Algorithms developed to predict the effect of missense changes on protein structure and function (SIFT, PolyPhen-2, Align-GVGD) all suggest that this variant is likely to be disruptive. In summary, the available evidence is currently insufficient to determine the role of this variant in disease. Therefore, it has been classified as a Variant of Uncertain Significance.

Blueprint Genetics
Classification: Uncertain significance. Last evaluated: 2018-05-21. Review status: criteria provided, single submitter. Criteria: ACMG Guidelines, 2015. Collection method: clinical testing. Allele origin: germline.

NM_007255.3(B4GALT7):c.761C>T (p.Thr254Ile)

Gene: B4GALT7 (beta-1,4-galactosyltransferase 7; plus strand). Cytogenetic location: 5q35.3.
Variant type: single nucleotide variant.
Coding change: c.761C>T on transcript NM_007255.3 (MANE Select); coding-DNA position 761, C replaced by T.
Protein change: p.Thr254Ile; replaces threonine 254 with isoleucine.
Molecular consequence: missense variant.
Genome position (GRCh38, 1-based): chr5:177,608,947, C>T. VCF-style: chr5-177608947-C-T. GRCh37 (hg19) VCF-style: chr5-177035948-C-T.
Other names: short protein forms T254I.
Identifiers: ClinVar variation 1024894 (VCV001024894.7), dbSNP rs1435784513, ClinGen allele CA362376793.
Genomic context (GRCh38, chr5:177,608,947, plus strand): 5'-CCGACTTCCTTGGACCTCCCTAGCTTTTCCGCCCCTCGGGAATCACAACTGGGTACAAGA[C>T]ATTTCGCCACCTGCATGACCCAGCCTGGCGGAAGAGGGACCAGAAGCGCATCGCAGCTCA-3'
Protein context (NP_009186.1, residues 244-264): RPSGITTGYK[Thr254Ile]FRHLHDPAWR